The following is an entry in ClinVar:

ClinVar aggregate classification (germline): Likely benign (1 of 4 stars; one submission).

Conditions:
SCAPER-related disorder. Also called: SCAPER-related condition.

gnomAD v4.1: 4 of 1,613,872 alleles (0.00025%); highest among the groups gnomAD compares: African/African-American, 0.0053%; no homozygotes.

Submission:

PreventionGenetics, part of Exact Sciences
Classification: Likely benign for SCAPER-related condition. Last evaluated: 2025-07-08. Review status: criteria provided, single submitter. Criteria: ACMG Guidelines, 2015. Collection method: clinical testing. Allele origin: germline.
Comment: This variant is classified as likely benign based on ACMG/AMP sequence variant interpretation guidelines (Richards et al. 2015 PMID: 25741868, with internal and published modifications).

NM_020843.4(SCAPER):c.3204A>G (p.Arg1068=)

Genes: SCAPER (S-phase cyclin A associated protein in the ER; minus strand), LOC126862183 (BRD4-independent group 4 enhancer GRCh37_chr15:76726060-76727259; plus strand). Cytogenetic location: 15q24.3.
Variant type: single nucleotide variant.
Coding change: c.3204A>G on transcript NM_020843.4 (MANE Select); coding-DNA position 3204, A replaced by G.
Protein change: p.Arg1068=; no amino-acid change (arginine 1068 retained).
Molecular consequence: synonymous variant. On other transcripts: non-coding transcript variant (1).
Genome position (GRCh38, 1-based): chr15:76,434,185, T>C on the plus strand (A>G on the coding strand, the complement: SCAPER is on the minus strand). VCF-style: chr15-76434185-T-C. GRCh37 (hg19) VCF-style: chr15-76726526-T-C.
Other names: c.2466A>G, p.Arg822= (NM_001145923.2); c.3222A>G, p.Arg1074= (NM_001353009.2); c.2802A>G, p.Arg934= (NM_001353010.2, NM_001353012.2); c.2820A>G, p.Arg940= (NM_001353011.2).
Identifiers: ClinVar variation 4985689 (VCV004985689.1).